The following is an entry in ClinVar:

NM_000138.5(FBN1):c.5059T>C (p.Cys1687Arg)

Gene: FBN1 (fibrillin 1; minus strand). Cytogenetic location: 15q21.1.
Variant type: single nucleotide variant.
Coding change: c.5059T>C on transcript NM_000138.5 (MANE Select); coding-DNA position 5059, T replaced by C.
Protein change: p.Cys1687Arg; replaces cysteine 1687 with arginine.
Molecular consequence: missense variant.
Genome position (GRCh38, 1-based): chr15:48,463,905, A>G on the plus strand (T>C on the coding strand, the complement: FBN1 is on the minus strand). VCF-style: chr15-48463905-A-G. GRCh37 (hg19) VCF-style: chr15-48756102-A-G.
Other names: short protein forms C1687R.
Identifiers: ClinVar variation 1678714 (VCV001678714.2), dbSNP rs2141267582, ClinGen allele CA392349529.

ClinVar aggregate classification (germline): Pathogenic (1 of 4 stars; one submission).

Submission:

GeneDx
Classification: Pathogenic. Last evaluated: 2022-04-12. Review status: criteria provided, single submitter. Criteria: GeneDx Variant Classification Process June 2021. Collection method: clinical testing. Allele origin: germline. Affected: yes.
Comment: Not observed in large population cohorts (gnomAD); In silico analysis supports that this missense variant has a deleterious effect on protein structure/function; Affects a cysteine residue within a calcium-binding EGF-like domain of the FBN1 gene, which may affect disulfide bonding and is predicted to alter the structure and function of the protein; cysteine substitutions in the calcium-binding EGF-like domains represent the majority of pathogenic missense changes associated with FBN1 related disorders (Collod-Beroud et al., 2003); This variant is associated with the following publications: (PMID: 27906200)